The following is an entry in ClinVar:

NM_001135629.3(PPP1R21):c.428G>A (p.Arg143Gln)

Gene: PPP1R21 (protein phosphatase 1 regulatory subunit 21; plus strand). Cytogenetic location: 2p16.3.
Variant type: single nucleotide variant.
Coding change: c.428G>A on transcript NM_001135629.3 (MANE Select); coding-DNA position 428, G replaced by A.
Protein change: p.Arg143Gln; replaces arginine 143 with glutamine.
Molecular consequence: missense variant. On other transcripts: non-coding transcript variant (1).
Genome position (GRCh38, 1-based): chr2:48,459,806, G>A. VCF-style: chr2-48459806-G-A. GRCh37 (hg19) VCF-style: chr2-48686945-G-A.
Other names: c.428G>A, p.Arg143Gln (NM_001193475.2, NM_152994.5); short protein forms R143Q.
Identifiers: ClinVar variation 2462430 (VCV002462430.5), dbSNP rs200936594, ClinGen allele CA1650859.

ClinVar aggregate classification (germline): Uncertain significance. Review status: criteria provided, multiple submitters, no conflicts (2 of 4 stars). 3 submissions from 3 submitters: Uncertain significance (3). Last evaluated 2026-05-16.

Conditions:
PPP1R21-related disorder. Also called: PPP1R21-related condition.
Inborn genetic diseases. Identifiers: MedGen C0950123, MeSH D030342.

Allele frequency attached by ClinVar (database versions not stated): gnomAD 0.00007; gnomAD exomes 0.00007; ESP Exome Variant Server 0.00008; TOPMed 0.00010; ExAC 0.00014; 1000 Genomes Project 30x 0.00031; 1000 Genomes Project 0.00040.
gnomAD v4.1: 121 of 1,614,016 alleles (0.0075%); highest among the groups gnomAD compares: South Asian, 0.078%; 1 homozygote.

Submissions (3):

PreventionGenetics, part of Exact Sciences
Classification: Uncertain significance for PPP1R21-related condition. Last evaluated: 2026-05-16. Review status: criteria provided, single submitter. Criteria: ACMG Guidelines, 2015. Collection method: clinical testing. Allele origin: germline.
Comment: The PPP1R21 c.428G>A variant is predicted to result in the amino acid substitution p.Arg143Gln. To our knowledge, this variant has not been reported in the literature. This variant is reported in 0.056% of alleles in individuals of South Asian descent in gnomAD, which is likely too common for an undocumented disease-causing variant. Although we suspect that this variant may be benign, at this time, the clinical significance of this variant is uncertain due to the absence of conclusive functional and genetic evidence.

Women's Health and Genetics/Laboratory Corporation of America, LabCorp
Classification: Uncertain significance. Last evaluated: 2024-03-12. Review status: criteria provided, single submitter. Criteria: LabCorp Variant Classification Summary - May 2015. Collection method: clinical testing. Allele origin: germline.
Comment: Variant summary: PPP1R21 c.428G>A (p.Arg143Gln) results in a conservative amino acid change in the encoded protein sequence. Three of five in-silico tools predict a benign effect of the variant on protein function. The variant allele was found at a frequency of 0.00012 in 251380 control chromosomes. To our knowledge, no occurrence of c.428G>A in individuals affected with Neurodevelopmental Disorder With Hypotonia, Facial Dysmorphism, And Brain Abnormalities and no experimental evidence demonstrating its impact on protein function have been reported. ClinVar contains an entry for this variant (Variation ID: 2462430). Based on the evidence outlined above, the variant was classified as uncertain significance.

Ambry Genetics
Classification: Uncertain significance for Inborn genetic diseases. Last evaluated: 2023-02-07. Review status: criteria provided, single submitter. Criteria: Ambry Variant Classification Scheme 2023. Collection method: clinical testing. Allele origin: germline.